The following is an entry in ClinVar:

NM_000270.4(PNP):c.543G>C (p.Met181Ile)

Gene: PNP (purine nucleoside phosphorylase; plus strand). Cytogenetic location: 14q11.2.
Variant type: single nucleotide variant.
Coding change: c.543G>C on transcript NM_000270.4 (MANE Select); coding-DNA position 543, G replaced by C.
Protein change: p.Met181Ile; replaces methionine 181 with isoleucine.
Molecular consequence: missense variant.
Genome position (GRCh38, 1-based): chr14:20,475,143, G>C. VCF-style: chr14-20475143-G-C. GRCh37 (hg19) VCF-style: chr14-20943302-G-C.
Other names: short protein forms M181I.
Identifiers: ClinVar variation 529210 (VCV000529210.16), dbSNP rs145773529, ClinGen allele CA7082162.

ClinVar aggregate classification (germline): Conflicting classifications of pathogenicity. Review status: criteria provided, conflicting classifications (1 of 4 stars). 5 submissions from 5 submitters: Uncertain significance (1); Likely benign (3). 1 of the submissions does not count toward it. Last evaluated 2026-01-28.

Conditions:
PNP-related disorder. Also called: PNP-related condition.
Purine-nucleoside phosphorylase deficiency. Also called: Immunodeficiency due to purine nucleoside phosphorylase deficiency; NUCLEOSIDE PHOSPHORYLASE DEFICIENCY. Identifiers: Orphanet 760, MedGen C0268125, MONDO:0013171, OMIM 613179.

Allele frequency attached by ClinVar (database versions not stated): 1000 Genomes Project 0.00140; ESP Exome Variant Server 0.00169; 1000 Genomes Project 30x 0.00172; gnomAD 0.00196 and 0.00215; TOPMed 0.00201.

Submissions (5):

Labcorp Genetics (formerly Invitae), Labcorp
Classification: Likely benign for Purine-nucleoside phosphorylase deficiency. Last evaluated: 2026-01-28. Review status: criteria provided, single submitter. Criteria: Invitae Variant Classification Sherloc (09022015). Collection method: clinical testing. Allele origin: germline.

Blueprint Genetics
Classification: Uncertain significance. Last evaluated: 2024-10-02. Review status: criteria provided, single submitter. Criteria: ACMG Guidelines, 2015. Collection method: clinical testing. Allele origin: germline.

Women's Health and Genetics/Laboratory Corporation of America, LabCorp
Classification: Likely benign. Last evaluated: 2023-02-02. Review status: criteria provided, single submitter. Criteria: LabCorp Variant Classification Summary - May 2015. Collection method: clinical testing. Allele origin: germline.
Comment: Variant summary: PNP c.543G>C (p.Met181Ile) results in a conservative amino acid change located in the Nucleoside phosphorylase domain (IPR000845) of the encoded protein sequence. Three of five in-silico tools predict a benign effect of the variant on protein function. The variant allele was found at a frequency of 0.00049 in 251470 control chromosomes, predominantly at a frequency of 0.0068 within the African or African-American subpopulation in the gnomAD database. The observed variant frequency within African or African-American control individuals in the gnomAD database is approximately 19-fold of the estimated maximal expected allele frequency for a pathogenic variant in PNP causing Severe Combined Immunodeficiency phenotype (0.00035), strongly suggesting that the variant is a benign polymorphism found primarily in populations of African or African-American origin. To our knowledge, no occurrence of c.543G>C in individuals affected with Severe Combined Immunodeficiency and no experimental evidence demonstrating its impact on protein function have been reported. One submitter has provided a clinical-significance assessment for this variant to ClinVar after 2014 without evidence for independent evaluation, and classified the variant as likely benign. Based on the evidence outlined above, the variant was classified as likely benign.

Breakthrough Genomics
Classification: Likely benign. Review status: criteria provided, single submitter. Criteria: ACMG Guidelines, 2015. Collection method: not provided. Allele origin: germline. Inheritance: Autosomal recessive inheritance. Affected: yes.

PreventionGenetics, part of Exact Sciences
Classification: Likely benign for PNP-related condition. Last evaluated: 2020-04-27. Review status: no assertion criteria provided. Collection method: clinical testing. Allele origin: germline. Not counted in ClinVar's aggregate classification.
Comment: This variant is classified as likely benign based on ACMG/AMP sequence variant interpretation guidelines (Richards et al. 2015 PMID: 25741868, with internal and published modifications).